The following is an entry in ClinVar:

NM_001854.4(COL11A1):c.1388G>T (p.Gly463Val)

Gene: COL11A1 (collagen type XI alpha 1 chain; minus strand). Cytogenetic location: 1p21.1.
Variant type: single nucleotide variant.
Coding change: c.1388G>T on transcript NM_001854.4 (MANE Select); coding-DNA position 1388, G replaced by T.
Protein change: p.Gly463Val; replaces glycine 463 with valine.
Molecular consequence: missense variant. On other transcripts: non-coding transcript variant (1).
Genome position (GRCh38, 1-based): chr1:103,017,845, C>A on the plus strand (G>T on the coding strand, the complement: COL11A1 is on the minus strand). VCF-style: chr1-103017845-C-A. GRCh37 (hg19) VCF-style: chr1-103483401-C-A.
Other names: c.1040G>T, p.Gly347Val (NM_001168249.1, NM_080630.4); c.1271G>T, p.Gly424Val (NM_001190709.2); c.1424G>T, p.Gly475Val (NM_080629.3); short protein forms G463V, G475V, G347V, G424V.
Identifiers: ClinVar variation 1969420 (VCV001969420.6), dbSNP rs1475867666, ClinGen allele CA341179658.

ClinVar aggregate classification (germline): Conflicting classifications of pathogenicity. Review status: criteria provided, conflicting classifications (1 of 4 stars). 2 submissions from 2 submitters: Likely pathogenic (1); Likely benign (1). Last evaluated 2025-06-24.

Conditions:
CHEK2-related cancer predisposition (TPDS4). Also called: TUMOR PREDISPOSITION SYNDROME 4; CHEK2-related cancer susceptibility; CANCER PREDISPOSITION SYNDROME, CHEK2-RELATED. Identifiers: Orphanet 524, MedGen C5882668, MONDO:0700271, OMIM 609265.

Submissions (2):

Labcorp Genetics (formerly Invitae), Labcorp
Classification: Likely benign. Last evaluated: 2025-06-24. Review status: criteria provided, single submitter. Criteria: Invitae Variant Classification Sherloc (09022015). Collection method: clinical testing. Allele origin: germline.

Johns Hopkins Genomics, Johns Hopkins University
Classification: Likely pathogenic for CHEK2-related cancer predisposition. Last evaluated: 2025-05-08. Review status: criteria provided, single submitter. Criteria: ACMG Guidelines, 2015. Collection method: clinical testing. Allele origin: germline.
Comment: This COL11A1 variant (rs1475867666) is rare (<0.1%) in a large population dataset (gnomADv2.1.1: 1/31384 total alleles; 0.0003%; no homozygotes) and has been reported in ClinVar. Three bioinformatic tools queried predict that this substitution would be damaging (SIFT 0, PolyPhen2HVAR 0.999, REVEL 0.962), and the glycine residue at this position is strongly conserved across the vertebrate species assessed. This missense change (p.Gly463Val) occurs in an important glycine residue of the Gly-X-Y repeat motif that is essential for the formation of the triple helix and for normal protein folding in collagens. We consider c. c.1388G>T likely pathogenic for autosomal dominant Stickler syndrome type II.

Literature cited by the submitters: PubMed 10573014 (cited by Johns Hopkins Genomics, Johns Hopkins University); PubMed 17236192 (cited by Johns Hopkins Genomics, Johns Hopkins University); PubMed 8872475 (cited by Johns Hopkins Genomics, Johns Hopkins University).